The following is an entry in ClinVar:

ClinVar aggregate classification (germline): Likely benign (0 of 4 stars; one submission).

Conditions:
PPARGC1A-related disorder. Also called: PPARGC1A-related condition.

gnomAD v4.1: 14 of 1,613,844 alleles (0.00087%); highest among the groups gnomAD compares: Admixed American, 0.012%; no homozygotes.

Submission:

PreventionGenetics, part of Exact Sciences
Classification: Likely benign for PPARGC1A-related condition. Last evaluated: 2019-06-27. Review status: no assertion criteria provided. Collection method: clinical testing. Allele origin: germline.
Comment: This variant is classified as likely benign based on ACMG/AMP sequence variant interpretation guidelines (Richards et al. 2015 PMID: 25741868, with internal and published modifications).

NM_013261.5(PPARGC1A):c.333G>T (p.Ala111=)

Gene: PPARGC1A (PPARG coactivator 1 alpha; minus strand). Cytogenetic location: 4p15.2.
Variant type: single nucleotide variant.
Coding change: c.333G>T on transcript NM_013261.5 (MANE Select); coding-DNA position 333, G replaced by T.
Protein change: p.Ala111=; no amino-acid change (alanine 111 retained).
Molecular consequence: synonymous variant. On other transcripts: 5 prime UTR variant (2), non-coding transcript variant (7).
Genome position (GRCh38, 1-based): chr4:23,831,653, C>A on the plus strand (G>T on the coding strand, the complement: PPARGC1A is on the minus strand). VCF-style: chr4-23831653-C-A. GRCh37 (hg19) VCF-style: chr4-23833276-C-A.
Other names: c.348G>T, p.Ala116= (NM_001330751.2, NM_001354825.2, NM_001354827.2); c.297G>T, p.Ala99= (NM_001330752.2); c.-49G>T (NM_001330753.2, NM_001354826.2).
Identifiers: ClinVar variation 3043355 (VCV003043355.2), dbSNP rs747323735, ClinGen allele CA2875556.